The following is an entry in ClinVar:

ClinVar aggregate classification (germline): Uncertain significance. Review status: criteria provided, multiple submitters, no conflicts (2 of 4 stars). 2 submissions from 2 submitters: Uncertain significance (2). Last evaluated 2026-03-02.

Conditions:
Colorectal cancer, hereditary nonpolyposis, type 7. Identifiers: Orphanet 144, MedGen C1858380, MONDO:0013725, OMIM 614385.

Submissions (2):

Ambry Genetics
Classification: Uncertain significance. Last evaluated: 2026-03-02. Review status: criteria provided, single submitter. Criteria: Ambry Variant Classification Scheme 2023. Collection method: clinical testing. Allele origin: germline.
Comment: The c.2710_2889del180 variant (also known as p.S904_C963del) is located in coding exon 1 of the MLH3 gene. This variant results from an in-frame deletion of 180 nucleotides between nucleotide positions 2710 to 2889. This results in the in-frame deletion of a at codon 904. This amino acid region is poorly conserved in available vertebrate species. The evidence for this gene-disease relationship is limited; therefore, the clinical significance of this variant is unclear.

Labcorp Genetics (formerly Invitae), Labcorp
Classification: Uncertain significance for Colorectal cancer, hereditary nonpolyposis, type 7. Last evaluated: 2020-05-22. Review status: criteria provided, single submitter. Criteria: Invitae Variant Classification Sherloc (09022015). Collection method: clinical testing. Allele origin: germline.
Comment: This variant, c.2710_2889del, results in the deletion of 60 amino acid(s) of the MLH3 protein (p.Ser904_Cys963del), but otherwise preserves the integrity of the reading frame. Experimental studies and prediction algorithms are not available or were not evaluated, and the functional significance of this variant is currently unknown. This variant has not been reported in the literature in individuals with MLH3-related conditions. This variant is not present in population databases (ExAC no frequency). In summary, the available evidence is currently insufficient to determine the role of this variant in disease. Therefore, it has been classified as a Variant of Uncertain Significance.

NM_001040108.2(MLH3):c.2710_2889del (p.Ser904_Cys963del)

Gene: MLH3 (mutL homolog 3; minus strand). Cytogenetic location: 14q24.3.
Variant type: Deletion.
Coding change: c.2710_2889del on transcript NM_001040108.2 (MANE Select); coding-DNA positions 2710 to 2889, 180 bases deleted.
Protein change: p.Ser904_Cys963del.
Molecular consequence: inframe deletion.
Genome position (GRCh38, 1-based): chr14:75,046,767-75,046,946, 180 bases deleted. GRCh37 (hg19): chr14:75,513,471-75,513,650.
Other names: c.2710_2889del180 (NM_001040108.1); c.2710_2889del, p.Ser904_Cys963del (NM_014381.3).
Identifiers: ClinVar variation 1019920 (VCV001019920.9), dbSNP rs1892262638, ClinGen allele CA2147317355.